The following is an entry in ClinVar:

ClinVar aggregate classification (germline): Likely benign (1 of 4 stars; one submission).

Conditions:
Leigh syndrome (NULS). Also called: Leigh's necrotizing encephalopathy; Leigh's disease; Leigh Syndrome (mtDNA deletion); Leigh Disease; Subacute necrotizing encephalopathy; Necrotizing encephalopathy infantile subacute of Leigh. Identifiers: Orphanet 506, MedGen C2931891, MONDO:0009723, OMIM 256000.

Submission:

Wong Mito Lab, Molecular and Human Genetics, Baylor College of Medicine
Classification: Likely benign for Leigh syndrome. Last evaluated: 2019-10-17. Review status: criteria provided, single submitter. Criteria: Modified ACMG Guidelines (Unpublished). Collection method: clinical testing. Allele origin: germline.
Comment: The NC_012920.1:m.9234A>G (YP_003024032.1:p.Met10Val) variant in MTCO3 gene is interpretated to be a Likely Benign variant based on the modified ACMG guidelines (unpublished). This variant meets the following evidence codes: BS1, BP5

NC_012920.1(MT-CO3):m.9234A>G

Gene: MT-CO3 (mitochondrially encoded cytochrome c oxidase III; plus strand).
Variant type: single nucleotide variant.
Genome position: chrM-9234-A-G.
Identifiers: ClinVar variation 693130 (VCV000693130.1), dbSNP rs1603222190, ClinGen allele CA414802494.